The following is an entry in ClinVar:

NM_001110556.2(FLNA):c.410T>A (p.Ile137Asn)

Gene: FLNA (filamin A; minus strand). Cytogenetic location: Xq28.
Variant type: single nucleotide variant.
Coding change: c.410T>A on transcript NM_001110556.2 (MANE Select); coding-DNA position 410, T replaced by A.
Protein change: p.Ile137Asn; replaces isoleucine 137 with asparagine.
Molecular consequence: missense variant.
Genome position (GRCh38, 1-based): chrX:154,368,054, A>T on the plus strand (T>A on the coding strand, the complement: FLNA is on the minus strand). VCF-style: chrX-154368054-A-T. GRCh37 (hg19) VCF-style: chrX-153596422-A-T.
Other names: c.410T>A, p.Ile137Asn (NM_001456.4); short protein forms I137N.
Identifiers: ClinVar variation 574247 (VCV000574247.10), dbSNP rs1569551877, ClinGen allele CA415250863.
Genomic context (GRCh38, chrX:154,368,054, plus strand): 5'-TCGTCCCACATGGGCATGGAGATGGAGTAGTGCAGGATCAGGGTCCAGATGAGGCCCAGG[A>T]TCAGCTTCAGGTTCCCGTCCACGATGGCCTTGCTGTCTGTGAGTAGAAGAGTGGCCACGC-3'
Protein context (NP_001104026.1, residues 127-147): KAIVDGNLKL[Ile137Asn]LGLIWTLILH

ClinVar aggregate classification (germline): Uncertain significance (1 of 4 stars; one submission).

Conditions:
Heterotopia, periventricular, X-linked dominant (PVNH1). Also called: PERIVENTRICULAR NODULAR HETEROTOPIA 4; HETEROTOPIA, PERIVENTRICULAR, 1; PERIVENTRICULAR NODULAR HETEROTOPIA 1; X-linked periventricular heterotopia. Identifiers: Orphanet 2149, Orphanet 82004, MedGen C1848213, MONDO:0010233, OMIM 300049.
Melnick-Needles syndrome (MNS). Also called: Melnick-Needles Syndrome (FLNA-MNS); MELNICK-NEEDLES OSTEODYSPLASTY; OSTEODYSPLASTY OF MELNICK AND NEEDLES. Identifiers: Orphanet 2484, MedGen C0025237, MONDO:0010650, OMIM 309350.
Frontometaphyseal dysplasia (FMD1). Identifiers: Orphanet 1826, MedGen C0265293, MONDO:0015942.
Oto-palato-digital syndrome, type II (OPD2). Also called: Otopalatodigital Syndrome Type 2 (FLNA-OPD2); Otopalatodigital Syndrome, Type II; FACIOPALATOOSSEOUS SYNDROME; OPD II SYNDROME. Identifiers: Orphanet 669, Orphanet 90652, MedGen C1844696, MONDO:0010571, OMIM 304120.

Submission:

Labcorp Genetics (formerly Invitae), Labcorp
Classification: Uncertain significance for Oto-palato-digital syndrome, type II; Heterotopia, periventricular, X-linked dominant; Frontometaphyseal dysplasia; Melnick-Needles syndrome. Last evaluated: 2018-03-25. Review status: criteria provided, single submitter. Criteria: Invitae Variant Classification Sherloc (09022015). Collection method: clinical testing. Allele origin: germline.
Comment: Algorithms developed to predict the effect of missense changes on protein structure and function do not agree on the potential impact of this missense change (SIFT: "Deleterious"; PolyPhen-2: "Probably Damaging"; Align-GVGD: "Class C0"). In summary, the available evidence is currently insufficient to determine the role of this variant in disease. Therefore, it has been classified as a Variant of Uncertain Significance. This variant has not been reported in the literature in individuals with FLNA-related disease. This variant is not present in population databases (ExAC no frequency). This sequence change replaces isoleucine with asparagine at codon 137 of the FLNA protein (p.Ile137Asn). The isoleucine residue is highly conserved and there is a large physicochemical difference between isoleucine and asparagine.